The following is an entry in ClinVar:

ClinVar aggregate classification (germline): Uncertain significance (1 of 4 stars; one submission).

Allele frequency attached by ClinVar (database versions not stated): TOPMed below 0.00001; gnomAD 0.00001.

Submission:

Labcorp Genetics (formerly Invitae), Labcorp
Classification: Uncertain significance. Last evaluated: 2020-09-08. Review status: criteria provided, single submitter. Criteria: Invitae Variant Classification Sherloc (09022015). Collection method: clinical testing. Allele origin: germline.
Comment: This sequence change results in a premature translational stop signal in the IDH3B gene (p.Arg361*). While this is not anticipated to result in nonsense mediated decay, it is expected to disrupt the last 25 amino acids of the IDH3B protein. This variant is present in population databases (rs762623115, ExAC 0.003%). This variant has not been reported in the literature in individuals with IDH3B-related conditions. In summary, the available evidence is currently insufficient to determine the role of this variant in disease. Therefore, it has been classified as a Variant of Uncertain Significance.

NM_006899.5(IDH3B):c.1081C>T (p.Arg361Ter)

Gene: IDH3B (isocitrate dehydrogenase (NAD(+)) 3 non-catalytic subunit beta; minus strand). Cytogenetic location: 20p13.
Variant type: single nucleotide variant.
Coding change: c.1081C>T on transcript NM_006899.5 (MANE Select); coding-DNA position 1081, C replaced by T.
Protein change: p.Arg361Ter; replaces arginine 361 with a stop codon.
Molecular consequence: nonsense. On other transcripts: non-coding transcript variant (1), intron variant (1).
Genome position (GRCh38, 1-based): chr20:2,658,828, G>A on the plus strand (C>T on the coding strand, the complement: IDH3B is on the minus strand). VCF-style: chr20-2658828-G-A. GRCh37 (hg19) VCF-style: chr20-2639474-G-A.
Other names: c.1081C>T, p.Arg361Ter (NM_001330763.2); c.1072-306C>T (NM_174855.4); short protein forms R361*.
Identifiers: ClinVar variation 1006922 (VCV001006922.4), dbSNP rs762623115, ClinGen allele CA9735057.
Genomic context (GRCh38, chr20:2,658,828, plus strand): 5'-GCAGGTGACCGATGACAGACTTGATGAAGTCGGTTGTGGTGCTGTAGCCGCCCATGTCTC[G>A]AGTCCGCACCTACAGCCACCACCGGCAACAGCCGTGGGGAGGGAGAAAAGAGAGCCCATG-3'